The following is an entry in ClinVar:

ClinVar aggregate classification (germline): Uncertain significance. Review status: criteria provided, multiple submitters, no conflicts (2 of 4 stars). 2 submissions from 2 submitters: Uncertain significance (2). Last evaluated 2025-04-25.

Conditions:
Inborn genetic diseases. Identifiers: MedGen C0950123, MeSH D030342.

Allele frequency attached by ClinVar (database versions not stated): gnomAD 0.00001 and 0.00003; TOPMed 0.00001; gnomAD exomes 0.00008 and 0.00012; ExAC 0.00011.
gnomAD v4.1: 130 of 1,613,496 alleles (0.0081%); highest among the groups gnomAD compares: South Asian, 0.12%; no homozygotes.

Submissions (2):

Ambry Genetics
Classification: Uncertain significance for Inborn genetic diseases. Last evaluated: 2025-04-25. Review status: criteria provided, single submitter. Criteria: Ambry Variant Classification Scheme 2023. Collection method: clinical testing. Allele origin: germline.

Labcorp Genetics (formerly Invitae), Labcorp
Classification: Uncertain significance. Last evaluated: 2022-07-02. Review status: criteria provided, single submitter. Criteria: Invitae Variant Classification Sherloc (09022015). Collection method: clinical testing. Allele origin: germline.
Comment: This sequence change replaces valine, which is neutral and non-polar, with alanine, which is neutral and non-polar, at codon 506 of the HPS5 protein (p.Val506Ala). This variant is present in population databases (rs754269779, gnomAD 0.09%). This variant has not been reported in the literature in individuals affected with HPS5-related conditions. ClinVar contains an entry for this variant (Variation ID: 1499801). Algorithms developed to predict the effect of missense changes on protein structure and function (SIFT, PolyPhen-2, Align-GVGD) all suggest that this variant is likely to be tolerated. Algorithms developed to predict the effect of sequence changes on RNA splicing suggest that this variant may disrupt the consensus splice site. In summary, the available evidence is currently insufficient to determine the role of this variant in disease. Therefore, it has been classified as a Variant of Uncertain Significance.

NM_181507.2(HPS5):c.1517T>C (p.Val506Ala)

Gene: HPS5 (HPS5 biogenesis of lysosomal organelles complex 2 subunit 2; minus strand). Cytogenetic location: 11p15.1.
Variant type: single nucleotide variant.
Coding change: c.1517T>C on transcript NM_181507.2 (MANE Select); coding-DNA position 1517, T replaced by C.
Protein change: p.Val506Ala; replaces valine 506 with alanine.
Molecular consequence: missense variant.
Genome position (GRCh38, 1-based): chr11:18,296,116, A>G on the plus strand (T>C on the coding strand, the complement: HPS5 is on the minus strand). VCF-style: chr11-18296116-A-G. GRCh37 (hg19) VCF-style: chr11-18317663-A-G.
Other names: c.1175T>C, p.Val392Ala (NM_007216.4, NM_181508.2); short protein forms V392A, V506A.
Identifiers: ClinVar variation 1499801 (VCV001499801.6), dbSNP rs754269779, ClinGen allele CA5910085.
Genomic context (GRCh38, chr11:18,296,116, plus strand): 5'-ATGCCGAACGGGAGAAAAGTTTCATTCTTATCTGTCTCAAACATCACTGGAGCATGAGAA[A>G]CATTGTCTAATGAATGGAATCAGGAAAAAAAGAAACAAAATCTAATCACGTGGGAGTTGT-3'
Protein context (NP_852608.1, residues 496-516): CCGSHGNEDN[Val506Ala]SHAPVMFETD